The following is an entry in ClinVar:

ClinVar aggregate classification (germline): Pathogenic. Review status: reviewed by expert panel (3 of 4 stars). 4 submissions from 4 submitters: Pathogenic (1). 3 of the submissions do not count toward it. Last evaluated 2016-09-08.

Conditions:
Hereditary breast ovarian cancer syndrome. Also called: Hereditary breast and ovarian cancer syndrome (HBOC); Hereditary breast and ovarian cancer syndrome; Hereditary breast and ovarian cancer; Hereditary breast and/or ovarian cancer syndrome; Breast and ovarian cancer; BRCA1- and BRCA2-Associated Hereditary Breast and Ovarian Cancer. Identifiers: Orphanet 145, MedGen C0677776, MeSH D061325, MONDO:0003582. Disease mechanism: loss of function.
Breast-ovarian cancer, familial, susceptibility to, 1 (BROVCA1). Also called: OVARIAN CANCER, SUSCEPTIBILITY TO; BRCA1 Hereditary Breast and Ovarian Cancer. Identifiers: Orphanet 145, MedGen C2676676, MONDO:0011450, OMIM 604370. Disease mechanism: loss of function.

Submissions (4):

Evidence-based Network for the Interpretation of Germline Mutant Alleles (ENIGMA)
Classification: Pathogenic for Breast-ovarian cancer, familial, susceptibility to, 1. Last evaluated: 2016-09-08. Review status: reviewed by expert panel. Criteria: ENIGMA BRCA1/2 Classification Criteria (2015). Collection method: curation. Allele origin: germline.
Comment: Variant allele predicted to encode a truncated non-functional protein.

Consortium of Investigators of Modifiers of BRCA1/2 (CIMBA), c/o University of Cambridge
Classification: Pathogenic for Breast-ovarian cancer, familial, susceptibility to, 1. Last evaluated: 2015-10-02. Review status: criteria provided, single submitter. Criteria: CIMBA Mutation Classification guidelines May 2016. Collection method: clinical testing. Allele origin: germline. Not counted in ClinVar's aggregate classification.

Research Molecular Genetics Laboratory, Women's College Hospital, University of Toronto
Classification: Pathogenic for Hereditary breast ovarian cancer syndrome. Last evaluated: 2014-01-31. Review status: no assertion criteria provided. Collection method: research. Allele origin: germline. Affected: yes. Study: The Canadian Open Genetics Repository (COGR). Not counted in ClinVar's aggregate classification.

Breast Cancer Information Core (BIC) (BRCA1)
Classification: Pathogenic for Breast-ovarian cancer, familial 1. Last evaluated: 2002-05-29. Review status: no assertion criteria provided. Collection method: clinical testing. Allele origin: germline. Affected: yes. Observed: 1 variant allele. Not counted in ClinVar's aggregate classification.

NM_007294.4(BRCA1):c.3309T>A (p.Cys1103Ter)

Genes: BRCA1 (BRCA1 DNA repair associated; minus strand), LOC126862571 (BRD4-independent group 4 enhancer GRCh37_chr17:41243136-41244335; plus strand). Cytogenetic location: 17q21.31.
Variant type: single nucleotide variant.
Coding change: c.3309T>A on transcript NM_007294.4 (MANE Select); coding-DNA position 3309, T replaced by A.
Protein change: p.Cys1103Ter; replaces cysteine 1103 with a stop codon.
Molecular consequence: nonsense. On other transcripts: intron variant (137).
Genome position (GRCh38, 1-based): chr17:43,092,222, A>T on the plus strand (T>A on the coding strand, the complement: BRCA1 is on the minus strand). VCF-style: chr17-43092222-A-T. GRCh37 (hg19) VCF-style: chr17-41244239-A-T.
Other names: c.3096T>A, p.Cys1032Ter (NM_001407571.1, NM_001407853.1, NM_001407894.1 and 9 more transcripts); c.3309T>A, p.Cys1103Ter (NM_001407581.1, NM_001407582.1, NM_001407583.1 and 30 more transcripts); c.3306T>A, p.Cys1102Ter (NM_001407587.1, NM_001407590.1, NM_001407591.1 and 22 more transcripts); c.3300T>A, p.Cys1100Ter (NM_001407646.1, NM_001407647.1); c.3186T>A, p.Cys1062Ter (NM_001407648.1, NM_001407664.1, NM_001407665.1 and 19 more transcripts); c.3183T>A, p.Cys1061Ter (NM_001407649.1, NM_001407670.1, NM_001407671.1 and 11 more transcripts); c.3231T>A, p.Cys1077Ter (NM_001407653.1, NM_001407654.1, NM_001407655.1 and 4 more transcripts); c.3228T>A, p.Cys1076Ter (NM_001407659.1, NM_001407660.1, NM_001407661.1 and 1 more transcripts); and 41 more; short protein forms C1103*, C1056*, C1032*, C1015*, C1033*, C1035*, C1061*, C1076*.
Identifiers: ClinVar variation 54833 (VCV000054833.4), dbSNP rs80357317, ClinGen allele CA002136.